The following is an entry in ClinVar:

NM_006030.4(CACNA2D2):c.1655T>C (p.Ile552Thr)

Gene: CACNA2D2 (calcium voltage-gated channel auxiliary subunit alpha2delta 2; minus strand). Cytogenetic location: 3p21.31.
Variant type: single nucleotide variant.
Coding change: c.1655T>C on transcript NM_006030.4 (MANE Select); coding-DNA position 1655, T replaced by C.
Protein change: p.Ile552Thr; replaces isoleucine 552 with threonine.
Molecular consequence: missense variant.
Genome position (GRCh38, 1-based): chr3:50,376,160, A>G on the plus strand (T>C on the coding strand, the complement: CACNA2D2 is on the minus strand). VCF-style: chr3-50376160-A-G. GRCh37 (hg19) VCF-style: chr3-50413591-A-G.
Other names: c.1655T>C, p.Ile552Thr (NM_001005505.3, NM_001174051.3); c.1448T>C, p.Ile483Thr (NM_001291101.1); short protein forms I483T, I552T.
Identifiers: ClinVar variation 1489482 (VCV001489482.7), dbSNP rs1704975948, ClinGen allele CA352925594.

ClinVar aggregate classification (germline): Uncertain significance (1 of 4 stars; one submission).

Conditions:
Early-infantile DEE. Also called: Early infantile epileptic encephalopathy; Early infantile epileptic encephalopathy with suppression bursts; Ohtahara syndrome. Identifiers: Orphanet 1934, MedGen C0393706, MONDO:0800491.

Allele frequency attached by ClinVar (database versions not stated): TOPMed below 0.00001; gnomAD 0.00001.
gnomAD v4.1: 3 of 1,613,466 alleles (0.00019%); highest among the groups gnomAD compares: African/African-American, 0.0013%; no homozygotes.

Submission:

Labcorp Genetics (formerly Invitae), Labcorp
Classification: Uncertain significance for Early-infantile DEE. Last evaluated: 2022-07-12. Review status: criteria provided, single submitter. Criteria: Invitae Variant Classification Sherloc (09022015). Collection method: clinical testing. Allele origin: germline.
Comment: In summary, the available evidence is currently insufficient to determine the role of this variant in disease. Therefore, it has been classified as a Variant of Uncertain Significance. Algorithms developed to predict the effect of missense changes on protein structure and function are either unavailable or do not agree on the potential impact of this missense change (SIFT: "Deleterious"; PolyPhen-2: "Benign"; Align-GVGD: "Class C0"). ClinVar contains an entry for this variant (Variation ID: 1489482). This variant has not been reported in the literature in individuals affected with CACNA2D2-related conditions. This variant is not present in population databases (gnomAD no frequency). This sequence change replaces isoleucine, which is neutral and non-polar, with threonine, which is neutral and polar, at codon 552 of the CACNA2D2 protein (p.Ile552Thr).